The following is an entry in ClinVar:

NM_004168.4(SDHA):c.1664-1G>A

Gene: SDHA (succinate dehydrogenase complex flavoprotein subunit A; plus strand). Cytogenetic location: 5p15.33.
Variant type: single nucleotide variant.
Coding change: c.1664-1G>A on transcript NM_004168.4 (MANE Select); the canonical splice acceptor site of the intron before coding-DNA position 1664, G replaced by A.
Molecular consequence: splice acceptor variant. On other transcripts: intron variant (1).
Genome position (GRCh38, 1-based): chr5:251,337, G>A. VCF-style: chr5-251337-G-A. GRCh37 (hg19) VCF-style: chr5-251452-G-A.
Other names: c.1552-3056G>A (NM_001330758.2); c.1520-1G>A (NM_001294332.2).
Identifiers: ClinVar variation 1995379 (VCV001995379.4), dbSNP rs2477457537, ClinGen allele CA358999818.

ClinVar aggregate classification (germline): Likely pathogenic (1 of 4 stars; one submission).

Conditions:
Pheochromocytoma/paraganglioma syndrome 5. Also called: Paragangliomas 5; SDHA-Related Hereditary Paraganglioma-Pheochromocytoma Syndrome. Identifiers: Orphanet 29072, MedGen C3279992, MONDO:0013602, OMIM 614165.
Mitochondrial complex II deficiency, nuclear type 1. Also called: SUCCINATE CoQ REDUCTASE DEFICIENCY. Identifiers: Orphanet 3208, MedGen C5700310, MONDO:0100294, OMIM 252011.

Submission:

Labcorp Genetics (formerly Invitae), Labcorp
Classification: Likely pathogenic for Pheochromocytoma/paraganglioma syndrome 5; Mitochondrial complex II deficiency, nuclear type 1. Last evaluated: 2024-01-09. Review status: criteria provided, single submitter. Criteria: Invitae Variant Classification Sherloc (09022015). Collection method: clinical testing. Allele origin: germline.
Comment: This sequence change affects an acceptor splice site in intron 12 of the SDHA gene. It is expected to disrupt RNA splicing. Variants that disrupt the donor or acceptor splice site typically lead to a loss of protein function (PMID: 16199547), and loss-of-function variants in SDHA are known to be pathogenic (PMID: 22974104, 24781757). This variant is not present in population databases (gnomAD no frequency). This variant has not been reported in the literature in individuals affected with SDHA-related conditions. ClinVar contains an entry for this variant (Variation ID: 1995379). Algorithms developed to predict the effect of sequence changes on RNA splicing suggest that this variant may disrupt the consensus splice site. In summary, the currently available evidence indicates that the variant is pathogenic, but additional data are needed to prove that conclusively. Therefore, this variant has been classified as Likely Pathogenic.

Literature cited by the submitters: PubMed 16199547; PubMed 22974104; PubMed 24781757.